The following is an entry in ClinVar:

ClinVar aggregate classification (germline): Uncertain significance (1 of 4 stars; one submission).

gnomAD v4.1: 3 of 1,614,058 alleles (0.00019%); highest among the groups gnomAD compares: Non-Finnish European, 0.00017%; no homozygotes.

Submission:

GeneDx
Classification: Uncertain significance. Last evaluated: 2025-03-26. Review status: criteria provided, single submitter. Criteria: GeneDx Variant Classification Process June 2021. Collection method: clinical testing. Allele origin: germline. Affected: yes.
Comment: Not observed at significant frequency in large population cohorts (gnomAD); In silico analysis indicates that this missense variant does not alter protein structure/function; Has not been previously published as pathogenic or benign to our knowledge

NM_020791.4(TAOK1):c.62A>G (p.Lys21Arg)

Gene: TAOK1 (TAO kinase 1; plus strand). Cytogenetic location: 17q11.2.
Variant type: single nucleotide variant.
Coding change: c.62A>G on transcript NM_020791.4 (MANE Select); coding-DNA position 62, A replaced by G.
Protein change: p.Lys21Arg; replaces lysine 21 with arginine.
Molecular consequence: missense variant.
Genome position (GRCh38, 1-based): chr17:29,451,610, A>G. VCF-style: chr17-29451610-A-G. GRCh37 (hg19) VCF-style: chr17-27778628-A-G.
Other names: c.62A>G, p.Lys21Arg (NM_025142.1); short protein forms K21R.
Identifiers: ClinVar variation 4087864 (VCV004087864.1).
Genomic context (GRCh38, chr17:29,451,610, plus strand): 5'-TGCCATCAACTAACAGAGCAGGCAGCCTGAAGGACCCTGAAATTGCAGAGCTCTTCTTCA[A>G]AGAAGATCCAGAGAAGCTCTTCACAGATCTCAGAGAAATTGGCCATGGAAGCTTTGGAGC-3'
Protein context (NP_065842.1, residues 11-31): KDPEIAELFF[Lys21Arg]EDPEKLFTDL